The following is an entry in ClinVar:

NM_014989.7(RIMS1):c.391C>T (p.Leu131Phe)

Gene: RIMS1 (regulating synaptic membrane exocytosis 1; plus strand). Cytogenetic location: 6q13.
Variant type: single nucleotide variant.
Coding change: c.391C>T on transcript NM_014989.7 (MANE Select); coding-DNA position 391, C replaced by T.
Protein change: p.Leu131Phe; replaces leucine 131 with phenylalanine.
Molecular consequence: missense variant.
Genome position (GRCh38, 1-based): chr6:72,097,094, C>T. VCF-style: chr6-72097094-C-T. GRCh37 (hg19) VCF-style: chr6-72806797-C-T.
Other names: c.388C>T, p.Leu130Phe (NM_001350411.1); c.310C>T, p.Leu104Phe (NM_001350412.1); c.391C>T, p.Leu131Phe (NM_001350413.1); short protein forms L131F, L104F, L130F.
Identifiers: ClinVar variation 2914442 (VCV002914442.3), dbSNP rs751198752, ClinGen allele CA3885469.

ClinVar aggregate classification (germline): Uncertain significance (1 of 4 stars; one submission).

Allele frequency attached by ClinVar (database versions not stated): gnomAD exomes below 0.00001; ExAC 0.00001.
gnomAD v4.1: 6 of 1,614,026 alleles (0.00037%); highest among the groups gnomAD compares: African/African-American, 0.0013%; no homozygotes.

Submission:

Labcorp Genetics (formerly Invitae), Labcorp
Classification: Uncertain significance. Last evaluated: 2023-04-09. Review status: criteria provided, single submitter. Criteria: Invitae Variant Classification Sherloc (09022015). Collection method: clinical testing. Allele origin: germline.
Comment: In summary, the available evidence is currently insufficient to determine the role of this variant in disease. Therefore, it has been classified as a Variant of Uncertain Significance. An algorithm developed to predict the effect of missense changes on protein structure and function (PolyPhen-2) suggests that this variant is likely to be disruptive. This variant has not been reported in the literature in individuals affected with RIMS1-related conditions. This variant is present in population databases (rs751198752, gnomAD 0.007%). This sequence change replaces leucine, which is neutral and non-polar, with phenylalanine, which is neutral and non-polar, at codon 131 of the RIMS1 protein (p.Leu131Phe).